The following is an entry in ClinVar:

ClinVar aggregate classification (germline): Uncertain significance (1 of 4 stars; one submission).

Conditions:
Neurodevelopmental disorder with eye movement abnormalities and ataxia. Identifiers: MedGen C5774241, MONDO:0859305, OMIM 620094.

Submission:

Laboratorio de Genetica e Diagnostico Molecular, Hospital Israelita Albert Einstein
Classification: Uncertain significance for Neurodevelopmental disorder with eye movement abnormalities and ataxia. Last evaluated: 2024-08-15. Review status: criteria provided, single submitter. Criteria: ACMG Guidelines, 2015. Collection method: clinical testing. Allele origin: germline. Affected: yes.
Comment: ACMG classification criteria: PM2 supporting

NM_032892.5(FRMD5):c.934T>C (p.Phe312Leu)

Gene: FRMD5 (FERM domain containing 5; minus strand). Cytogenetic location: 15q15.3.
Variant type: single nucleotide variant.
Coding change: c.934T>C on transcript NM_032892.5 (MANE Select); coding-DNA position 934, T replaced by C.
Protein change: p.Phe312Leu; replaces phenylalanine 312 with leucine.
Molecular consequence: missense variant. On other transcripts: non-coding transcript variant (1).
Genome position (GRCh38, 1-based): chr15:43,885,706, A>G on the plus strand (T>C on the coding strand, the complement: FRMD5 is on the minus strand). VCF-style: chr15-43885706-A-G. GRCh37 (hg19) VCF-style: chr15-44177904-A-G.
Other names: c.652T>C, p.Phe218Leu (NM_001286490.2); c.232T>C, p.Phe78Leu (NM_001286491.2); c.934T>C, p.Phe312Leu (NM_001322949.2, NM_001322950.2, NM_001411124.1); c.829T>C, p.Phe277Leu (NM_001322951.2); short protein forms F218L, F277L, F312L, F78L.
Identifiers: ClinVar variation 3902024 (VCV003902024.1).